The following is an entry in ClinVar:

ClinVar aggregate classification (germline): Uncertain significance. Review status: criteria provided, multiple submitters, no conflicts (2 of 4 stars). 2 submissions from 2 submitters: Uncertain significance (2). Last evaluated 2025-08-31.

Conditions:
Heterotopia, periventricular, X-linked dominant (PVNH1). Also called: PERIVENTRICULAR NODULAR HETEROTOPIA 4; HETEROTOPIA, PERIVENTRICULAR, 1; PERIVENTRICULAR NODULAR HETEROTOPIA 1; X-linked periventricular heterotopia. Identifiers: Orphanet 2149, Orphanet 82004, MedGen C1848213, MONDO:0010233, OMIM 300049.
Oto-palato-digital syndrome, type II (OPD2). Also called: Otopalatodigital Syndrome, Type II; Otopalatodigital Syndrome Type 2 (FLNA-OPD2); FACIOPALATOOSSEOUS SYNDROME; OPD II SYNDROME. Identifiers: Orphanet 669, Orphanet 90652, MedGen C1844696, MONDO:0010571, OMIM 304120.
Melnick-Needles syndrome (MNS). Also called: Melnick-Needles Syndrome (FLNA-MNS); MELNICK-NEEDLES OSTEODYSPLASTY; OSTEODYSPLASTY OF MELNICK AND NEEDLES. Identifiers: Orphanet 2484, MedGen C0025237, MONDO:0010650, OMIM 309350.
Frontometaphyseal dysplasia (FMD1). Identifiers: Orphanet 1826, MedGen C0265293, MONDO:0015942.
FLNA-related disorder.

Allele frequency attached by ClinVar (database versions not stated): gnomAD exomes below 0.00001.

Submissions (2):

Labcorp Genetics (formerly Invitae), Labcorp
Classification: Uncertain significance for Oto-palato-digital syndrome, type II; Heterotopia, periventricular, X-linked dominant; Frontometaphyseal dysplasia; Melnick-Needles syndrome. Last evaluated: 2025-08-31. Review status: criteria provided, single submitter. Criteria: Invitae Variant Classification Sherloc (09022015). Collection method: clinical testing. Allele origin: germline.
Comment: This sequence change replaces methionine, which is neutral and non-polar, with valine, which is neutral and non-polar, at codon 1802 of the FLNA protein (p.Met1802Val). This variant is not present in population databases (gnomAD no frequency). This variant has not been reported in the literature in individuals affected with FLNA-related conditions. ClinVar contains an entry for this variant (Variation ID: 951271). Invitae Evidence Modeling of protein sequence and biophysical properties (such as structural, functional, and spatial information, amino acid conservation, physicochemical variation, residue mobility, and thermodynamic stability) indicates that this missense variant is not expected to disrupt FLNA protein function with a negative predictive value of 95%. In summary, the available evidence is currently insufficient to determine the role of this variant in disease. Therefore, it has been classified as a Variant of Uncertain Significance.

PreventionGenetics, part of Exact Sciences
Classification: Uncertain significance for FLNA-related condition. Last evaluated: 2023-08-09. Review status: criteria provided, single submitter. Criteria: ACMG Guidelines, 2015. Collection method: clinical testing. Allele origin: germline.
Comment: The FLNA c.5428A>G variant is predicted to result in the amino acid substitution p.Met1810Val. To our knowledge, this variant has not been reported in the literature or in a large population database, indicating this variant is rare. At this time, the clinical significance of this variant is uncertain due to the absence of conclusive functional and genetic evidence.

NM_001110556.2(FLNA):c.5428A>G (p.Met1810Val)

Gene: FLNA (filamin A; minus strand). Cytogenetic location: Xq28.
Variant type: single nucleotide variant.
Coding change: c.5428A>G on transcript NM_001110556.2 (MANE Select); coding-DNA position 5428, A replaced by G.
Protein change: p.Met1810Val; replaces methionine 1810 with valine.
Molecular consequence: missense variant.
Genome position (GRCh38, 1-based): chrX:154,354,280, T>C on the plus strand (A>G on the coding strand, the complement: FLNA is on the minus strand). VCF-style: chrX-154354280-T-C. GRCh37 (hg19) VCF-style: chrX-153582648-T-C.
Other names: c.5404A>G, p.Met1802Val (NM_001456.4); c.5428A>G (NM_001110556.1); short protein forms M1802V, M1810V.
Identifiers: ClinVar variation 951271 (VCV000951271.10), dbSNP rs2067645436, ClinGen allele CA415204716.